The following is an entry in ClinVar:

ClinVar aggregate classification (germline): Uncertain significance (1 of 4 stars; one submission).

Conditions:
Menkes kinky-hair syndrome (MNK). Also called: Copper transport disease; Menkes Disease; Classic Menkes Disease. Identifiers: Orphanet 565, MedGen C0022716, MONDO:0010651, OMIM 309400.
X-linked distal spinal muscular atrophy type 3. Also called: ATP7A-Related Distal Motor Neuropathy; SPINAL MUSCULAR ATROPHY, DISTAL, X-LINKED RECESSIVE; NEURONOPATHY, DISTAL HEREDITARY MOTOR, X-LINKED; NEUROPATHY, DISTAL HEREDITARY MOTOR, X-LINKED. Identifiers: Orphanet 139557, MedGen C1845359, MONDO:0010338, OMIM 300489.
Cutis laxa, X-linked (OHS). Also called: EDS IX; Occipital horn syndrome. Identifiers: Orphanet 198, MedGen C0268353, MONDO:0010572, OMIM 304150.

Submission:

Labcorp Genetics (formerly Invitae), Labcorp
Classification: Uncertain significance for X-linked distal spinal muscular atrophy type 3; Cutis laxa, X-linked; Menkes kinky-hair syndrome. Last evaluated: 2024-12-05. Review status: criteria provided, single submitter. Criteria: Invitae Variant Classification Sherloc (09022015). Collection method: clinical testing. Allele origin: germline.
Comment: This sequence change replaces serine, which is neutral and polar, with tyrosine, which is neutral and polar, at codon 362 of the ATP7A protein (p.Ser362Tyr). This variant is not present in population databases (gnomAD no frequency). This variant has not been reported in the literature in individuals affected with ATP7A-related conditions. Invitae Evidence Modeling of protein sequence and biophysical properties (such as structural, functional, and spatial information, amino acid conservation, physicochemical variation, residue mobility, and thermodynamic stability) indicates that this missense variant is not expected to disrupt ATP7A protein function with a negative predictive value of 95%. In summary, the available evidence is currently insufficient to determine the role of this variant in disease. Therefore, it has been classified as a Variant of Uncertain Significance.

NM_000052.7(ATP7A):c.1085C>A (p.Ser362Tyr)

Gene: ATP7A (ATPase copper transporting alpha; plus strand). Cytogenetic location: Xq21.1.
Variant type: single nucleotide variant.
Coding change: c.1085C>A on transcript NM_000052.7 (MANE Select); coding-DNA position 1085, C replaced by A.
Protein change: p.Ser362Tyr; replaces serine 362 with tyrosine.
Molecular consequence: missense variant.
Genome position (GRCh38, 1-based): chrX:77,989,707, C>A. VCF-style: chrX-77989707-C-A. GRCh37 (hg19) VCF-style: chrX-77245203-C-A.
Other names: c.1085C>A, p.Ser362Tyr (NM_001282224.2); short protein forms S362Y.
Identifiers: ClinVar variation 3753801 (VCV003753801.2).
Genomic context (GRCh38, chrX:77,989,707, plus strand): 5'-TATATAGAGTTAGTATCACAAGTGAAGTTGAGAGTACCTCAAACTCTCCCTCCAGCTCAT[C>A]TCTTCAGAAGATTCCTTTGAATGTAGTTAGCCAGCCTCTGACACAAGAAACTGTGATAAA-3'
Protein context (NP_000043.4, residues 352-372): ESTSNSPSSS[Ser362Tyr]LQKIPLNVVS